The following is an entry in ClinVar:

NM_024652.6(LRRK1):c.4026C>T (p.Leu1342=)

Genes: LRRK1-AS1 (LRRK1 antisense RNA 1; minus strand), LRRK1 (leucine rich repeat kinase 1; plus strand). Cytogenetic location: 15q26.3.
Variant type: single nucleotide variant.
Coding change: c.4026C>T on transcript NM_024652.6 (MANE Select); coding-DNA position 4026, C replaced by T.
Protein change: p.Leu1342=; no amino-acid change (leucine 1342 retained).
Molecular consequence: synonymous variant.
Genome position (GRCh38, 1-based): chr15:101,053,392, C>T. VCF-style: chr15-101053392-C-T. GRCh37 (hg19) VCF-style: chr15-101593597-C-T.
Other names: c.4026C>T (NM_024652.5).
Identifiers: ClinVar variation 708414 (VCV000708414.13), dbSNP rs41418955, ClinGen allele CA7761719.

ClinVar aggregate classification (germline): Benign. Review status: criteria provided, multiple submitters, no conflicts (2 of 4 stars). 3 submissions from 3 submitters: Benign (2). 1 of the submissions does not count toward it. Last evaluated 2026-02-01.

Conditions:
LRRK1-related disorder. Also called: LRRK1-related condition.

Allele frequency attached by ClinVar (database versions not stated): 1000 Genomes Project 0.00300; 1000 Genomes Project 30x 0.00328; gnomAD exomes 0.00612 and 0.00913; TOPMed 0.00619; ESP Exome Variant Server 0.00646; ExAC 0.00687; gnomAD 0.00690 and 0.00707.
gnomAD v4.1: 14,074 of 1,599,060 alleles (0.88%); highest among the groups gnomAD compares: Non-Finnish European, 1.1%; 76 homozygotes.

Submissions (3):

Labcorp Genetics (formerly Invitae), Labcorp
Classification: Benign. Last evaluated: 2026-02-01. Review status: criteria provided, single submitter. Criteria: Invitae Variant Classification Sherloc (09022015). Collection method: clinical testing. Allele origin: germline.

Breakthrough Genomics
Classification: Benign. Review status: criteria provided, single submitter. Criteria: ACMG Guidelines, 2015. Collection method: not provided. Allele origin: germline. Inheritance: Autosomal recessive inheritance. Affected: yes.

PreventionGenetics, part of Exact Sciences
Classification: Likely benign for LRRK1-related condition. Last evaluated: 2019-02-27. Review status: no assertion criteria provided. Collection method: clinical testing. Allele origin: germline. Not counted in ClinVar's aggregate classification.
Comment: This variant is classified as likely benign based on ACMG/AMP sequence variant interpretation guidelines (Richards et al. 2015 PMID: 25741868, with internal and published modifications).